The following is an entry in ClinVar:

NM_000384.3(APOB):c.5266A>C (p.Ser1756Arg)

Gene: APOB (apolipoprotein B; minus strand). Cytogenetic location: 2p24.1.
Variant type: single nucleotide variant.
Coding change: c.5266A>C on transcript NM_000384.3 (MANE Select); coding-DNA position 5266, A replaced by C.
Protein change: p.Ser1756Arg; replaces serine 1756 with arginine.
Molecular consequence: missense variant.
Genome position (GRCh38, 1-based): chr2:21,011,602, T>G on the plus strand (A>C on the coding strand, the complement: APOB is on the minus strand). VCF-style: chr2-21011602-T-G. GRCh37 (hg19) VCF-style: chr2-21234474-T-G.
Other names: short protein forms S1756R.
Identifiers: ClinVar variation 5017573 (VCV005017573.2).

ClinVar aggregate classification (germline): Uncertain significance. Review status: criteria provided, multiple submitters, no conflicts (2 of 4 stars). 2 submissions from 2 submitters: Uncertain significance (2). Last evaluated 2026-07-02.

Conditions:
Cardiovascular phenotype. Identifiers: MedGen CN230736.

gnomAD v4.1: 1 of 1,614,214 alleles (0.000062%); highest among the groups gnomAD compares: Non-Finnish European, 0.000085%; no homozygotes.

Submissions (2):

Ambry Genetics
Classification: Uncertain significance for Cardiovascular phenotype. Last evaluated: 2026-07-02. Review status: criteria provided, single submitter. Criteria: Ambry Variant Classification Scheme 2023. Collection method: clinical testing. Allele origin: germline.
Comment: The p.S1756R variant (also known as c.5266A>C), located in coding exon 26 of the APOB gene, results from an A to C substitution at nucleotide position 5266. The serine at codon 1756 is replaced by arginine, an amino acid with dissimilar properties. This amino acid position is conserved. In addition, this alteration is predicted to be tolerated by in silico analysis. Based on the available evidence, the clinical significance of this variant remains unclear.

GeneDx
Classification: Uncertain significance. Last evaluated: 2026-03-26. Review status: criteria provided, single submitter. Criteria: GeneDx Variant Classification Process June 2021. Collection method: clinical testing. Allele origin: germline.
Comment: Not observed at significant frequency in large population cohorts (gnomAD); In silico analysis supports that this missense variant has a deleterious effect on protein structure/function; Has not been previously published as pathogenic or benign to our knowledge